The following is an entry in ClinVar:

ClinVar aggregate classification (germline): Uncertain significance (1 of 4 stars; one submission).

Submission:

Women's Health and Genetics/Laboratory Corporation of America, LabCorp
Classification: Uncertain significance. Last evaluated: 2024-11-25. Review status: criteria provided, single submitter. Criteria: LabCorp Variant Classification Summary - May 2015. Collection method: clinical testing. Allele origin: germline.
Comment: Variant summary: REEP2 c.344A>G (p.Tyr115Cys) results in a non-conservative amino acid change in the encoded protein sequence. Five of five in-silico tools predict a damaging effect of the variant on protein function. The variant allele was found at a frequency of 4e-06 in 251050 control chromosomes. The available data on variant occurrences in the general population are insufficient to allow any conclusion about variant significance. To our knowledge, no occurrence of c.344A>G in individuals affected with Hereditary Spastic Paraplegia 72 and no experimental evidence demonstrating its impact on protein function have been reported. No submitters have cited clinical-significance assessments for this variant to ClinVar. Based on the evidence outlined above, the variant was classified as uncertain significance.

NM_001271803.2(REEP2):c.344A>G (p.Tyr115Cys)

Gene: REEP2 (receptor accessory protein 2; plus strand). Cytogenetic location: 5q31.2.
Variant type: single nucleotide variant.
Coding change: c.344A>G on transcript NM_001271803.2 (MANE Select); coding-DNA position 344, A replaced by G.
Protein change: p.Tyr115Cys; replaces tyrosine 115 with cysteine.
Molecular consequence: missense variant. On other transcripts: non-coding transcript variant (2).
Genome position (GRCh38, 1-based): chr5:138,444,794, A>G. VCF-style: chr5-138444794-A-G. GRCh37 (hg19) VCF-style: chr5-137780483-A-G.
Other names: c.344A>G, p.Tyr115Cys (NM_016606.4); short protein forms Y115C.
Identifiers: ClinVar variation 3629906 (VCV003629906.1).